The following is an entry in ClinVar:

NM_000138.5(FBN1):c.8368C>T (p.His2790Tyr)

Gene: FBN1 (fibrillin 1; minus strand). Cytogenetic location: 15q21.1.
Variant type: single nucleotide variant.
Coding change: c.8368C>T on transcript NM_000138.5 (MANE Select); coding-DNA position 8368, C replaced by T.
Protein change: p.His2790Tyr; replaces histidine 2790 with tyrosine.
Molecular consequence: missense variant.
Genome position (GRCh38, 1-based): chr15:48,411,238, G>A on the plus strand (C>T on the coding strand, the complement: FBN1 is on the minus strand). VCF-style: chr15-48411238-G-A. GRCh37 (hg19) VCF-style: chr15-48703435-G-A.
Other names: c.8368C>T, p.His2790Tyr (NM_001406716.1); short protein forms H2790Y.
Identifiers: ClinVar variation 1763101 (VCV001763101.2), dbSNP rs2505371303, ClinGen allele CA392319356.
Genomic context (GRCh38, chr15:48,411,238, plus strand): 5'-CCTTTTGGTTGATTTTAAAGAAGCCATCTTCATTTCCAGATTCGATCAAGTATCTGTTGT[G>A]ATTCGTCAGAGTTGTAAGAGCTGGAAGGAGTTCTAGGATTCGAACCTTGTTACTGACGTG-3'
Protein context (NP_000129.3, residues 2780-2800): LLPALTTLTN[His2790Tyr]NRYLIESGNE

ClinVar aggregate classification (germline): Uncertain significance (1 of 4 stars; one submission).

Conditions:
Familial thoracic aortic aneurysm and aortic dissection (TAAD). Also called: Thoracic aortic aneurysms and dissections. Identifiers: Orphanet 91387, MedGen C4707243, MONDO:0019625.

Allele frequency attached by ClinVar (database versions not stated): gnomAD exomes below 0.00001.
gnomAD v4.1: 1 of 1,614,122 alleles (0.000062%); highest among the groups gnomAD compares: Non-Finnish European, 0.000085%; no homozygotes.

Submission:

Ambry Genetics
Classification: Uncertain significance for Familial thoracic aortic aneurysm and aortic dissection. Last evaluated: 2020-01-10. Review status: criteria provided, single submitter. Criteria: Ambry Variant Classification Scheme 2023. Collection method: clinical testing. Allele origin: germline.
Comment: The p.H2790Y variant (also known as c.8368C>T), located in coding exon 65 of the FBN1 gene, results from a C to T substitution at nucleotide position 8368. The histidine at codon 2790 is replaced by tyrosine, an amino acid with similar properties. This amino acid position is highly conserved in available vertebrate species. In addition, this alteration is predicted to be deleterious by in silico analysis. Since supporting evidence is limited at this time, the clinical significance of this alteration remains unclear.